The following is an entry in ClinVar:

NM_004304.5(ALK):c.2698G>C (p.Ala900Pro)

Gene: ALK (ALK receptor tyrosine kinase; minus strand). Cytogenetic location: 2p23.2.
Variant type: single nucleotide variant.
Coding change: c.2698G>C on transcript NM_004304.5 (MANE Select); coding-DNA position 2698, G replaced by C.
Protein change: p.Ala900Pro; replaces alanine 900 with proline.
Molecular consequence: missense variant.
Genome position (GRCh38, 1-based): chr2:29,229,001, C>G on the plus strand (G>C on the coding strand, the complement: ALK is on the minus strand). VCF-style: chr2-29229001-C-G. GRCh37 (hg19) VCF-style: chr2-29451867-C-G.
Other names: short protein forms A900P.
Identifiers: ClinVar variation 3223843 (VCV003223843.1), dbSNP rs2148180647, ClinGen allele CA346469915.

ClinVar aggregate classification (germline): Uncertain significance (1 of 4 stars; one submission).

Conditions:
Hereditary cancer-predisposing syndrome. Also called: Tumor predisposition; Hereditary neoplastic syndrome; Hereditary Cancer Syndrome; Neoplastic Syndromes, Hereditary. Identifiers: Orphanet 140162, MedGen C0027672, MeSH D009386, MONDO:0015356.

Submission:

Ambry Genetics
Classification: Uncertain significance for Hereditary cancer-predisposing syndrome. Last evaluated: 2024-02-28. Review status: criteria provided, single submitter. Criteria: Ambry Variant Classification Scheme 2023. Collection method: clinical testing. Allele origin: germline.
Comment: The p.A900P variant (also known as c.2698G>C), located in coding exon 16 of the ALK gene, results from a G to C substitution at nucleotide position 2698. The alanine at codon 900 is replaced by proline, an amino acid with highly similar properties. This amino acid position is conserved. In addition, the in silico prediction for this alteration is inconclusive. Based on the available evidence, the clinical significance of this alteration remains unclear.